The following is an entry in ClinVar:

NM_002227.4(JAK1):c.2116-17_2116-4dup

Gene: JAK1 (Janus kinase 1; minus strand). Cytogenetic location: 1p31.3.
Variant type: Duplication.
Coding change: c.2116-17_2116-4dup on transcript NM_002227.4 (MANE Select); 17 bases into the intron before coding-DNA position 2116 through 4 bases into the intron before coding-DNA position 2116, 14 bases duplicated (ACCTTTTTACTCTG).
Molecular consequence: intron variant.
Genome position (GRCh38, 1-based): chr1:64,844,893-64,844,906, CAGAGTAAAAAGGT duplicated on the plus strand (ACCTTTTTACTCTG on the coding strand, the reverse complement: JAK1 is on the minus strand); duplicating any 14 consecutive bases within chr1:64,844,893-64,844,908 gives the same sequence; the c. name uses the placement nearest the transcript's 3' end. VCF-style (leftmost placement, unchanged base first): chr1-64844892-G-GCAGAGTAAAAAGGT. GRCh37 (hg19) VCF-style: chr1-65310575-G-GCAGAGTAAAAAGGT.
Other names: p.?; c.2116-17_2116-4dup (NM_001321852.2, NM_001321854.2, NM_001321853.2 and 3 more transcripts); c.2113-17_2113-4dup (NM_001321857.2).
Identifiers: ClinVar variation 1922274 (VCV001922274.6), dbSNP rs1194541190, ClinGen allele CA523588250.

ClinVar aggregate classification (germline): Likely benign. Review status: criteria provided, multiple submitters, no conflicts (2 of 4 stars). 2 submissions from 2 submitters: Likely benign (2). Last evaluated 2025-12-03.

Submissions (2):

Mayo Clinic Laboratories, Mayo Clinic
Classification: Likely benign. Last evaluated: 2025-12-03. Review status: criteria provided, single submitter. Criteria: ACMG Guidelines, 2015. Collection method: clinical testing. Allele origin: germline. Observed: 1 variant allele.
Comment: BP4, BP7, PM2_supporting

Labcorp Genetics (formerly Invitae), Labcorp
Classification: Likely benign. Last evaluated: 2023-11-24. Review status: criteria provided, single submitter. Criteria: Invitae Variant Classification Sherloc (09022015). Collection method: clinical testing. Allele origin: germline.